The following is an entry in ClinVar:

ClinVar aggregate classification (germline): Uncertain significance (1 of 4 stars; one submission).

gnomAD v4.1: 3 of 1,614,178 alleles (0.00019%); highest among the groups gnomAD compares: East Asian, 0.0022%; no homozygotes.

Submission:

Ambry Genetics
Classification: Uncertain significance. Last evaluated: 2026-04-08. Review status: criteria provided, single submitter. Criteria: Ambry Variant Classification Scheme 2023. Collection method: clinical testing. Allele origin: germline.
Comment: The p.R1047W variant (also known as c.3139C>T), located in coding exon 12 of the CDK12 gene, results from a C to T substitution at nucleotide position 3139. The arginine at codon 1047 is replaced by tryptophan, an amino acid with dissimilar properties. This amino acid position is conserved. In addition, the in silico prediction for this alteration is inconclusive. Based on the available evidence, the clinical significance of this variant remains unclear.

NM_016507.4(CDK12):c.3139C>T (p.Arg1047Trp)

Gene: CDK12 (cyclin dependent kinase 12; plus strand). Cytogenetic location: 17q12.
Variant type: single nucleotide variant.
Coding change: c.3139C>T on transcript NM_016507.4 (MANE Select); coding-DNA position 3139, C replaced by T.
Protein change: p.Arg1047Trp; replaces arginine 1047 with tryptophan.
Molecular consequence: missense variant.
Genome position (GRCh38, 1-based): chr17:39,524,717, C>T. VCF-style: chr17-39524717-C-T. GRCh37 (hg19) VCF-style: chr17-37680970-C-T.
Other names: c.3139C>T, p.Arg1047Trp (NM_015083.4); short protein forms R1047W.
Identifiers: ClinVar variation 4868477 (VCV004868477.1).
Genomic context (GRCh38, chr17:39,524,717, plus strand): 5'-GCTTTGTCTTTTTCCAGCCTCCCCCACTGGCAGGATTGCCATGAGTTGTGGAGTAAGAAA[C>T]GGCGACGTCAGCGACAAAGTGGTGTTGTAGTCGAAGAGCCACCTCCATCCAAAACTTCTC-3'
Protein context (NP_057591.2, residues 1037-1057): QDCHELWSKK[Arg1047Trp]RRQRQSGVVV